The following is an entry in ClinVar:

NM_003185.4(TAF4):c.16G>A (p.Asp6Asn)

Gene: TAF4 (TATA-box binding protein associated factor 4; minus strand). Cytogenetic location: 20q13.33.
Variant type: single nucleotide variant.
Coding change: c.16G>A on transcript NM_003185.4 (MANE Select); coding-DNA position 16, G replaced by A.
Protein change: p.Asp6Asn; replaces aspartic acid 6 with asparagine.
Molecular consequence: missense variant.
Genome position (GRCh38, 1-based): chr20:62,065,795, C>T on the plus strand (G>A on the coding strand, the complement: TAF4 is on the minus strand). VCF-style: chr20-62065795-C-T. GRCh37 (hg19) VCF-style: chr20-60640851-C-T.
Other names: short protein forms D6N.
Identifiers: ClinVar variation 2691587 (VCV002691587.1), dbSNP rs1425848407, ClinGen allele CA409522791.

ClinVar aggregate classification (germline): Uncertain significance (1 of 4 stars; one submission).

gnomAD v4.1: 1 of 1,311,122 alleles (0.000076%); no homozygotes.

Submission:

Women's Health and Genetics/Laboratory Corporation of America, LabCorp
Classification: Uncertain significance. Last evaluated: 2023-12-11. Review status: criteria provided, single submitter. Criteria: LabCorp Variant Classification Summary - May 2015. Collection method: clinical testing. Allele origin: germline.
Comment: Variant summary: TAF4 c.16G>A (p.Asp6Asn) results in a conservative amino acid change in the encoded protein sequence. Three of five in-silico tools predict a damaging effect of the variant on protein function. The variant was absent in 86654 control chromosomes. The available data on variant occurrences in the general population are insufficient to allow any conclusion about variant significance. To our knowledge, no occurrence of c.16G>A in individuals affected with Intellectual Developmental Disorder, Autosomal Dominant 73 and no experimental evidence demonstrating its impact on protein function have been reported. No submitters have cited clinical-significance assessments for this variant to ClinVar after 2014. Based on the evidence outlined above, the variant was classified as uncertain significance.